The following is an entry in ClinVar:

NM_001128178.3(NPHP1):c.330-7T>G

Gene: NPHP1 (nephrocystin 1; minus strand). Cytogenetic location: 2q13.
Variant type: single nucleotide variant.
Coding change: c.330-7T>G on transcript NM_001128178.3 (MANE Select); 7 bases into the intron before coding-DNA position 330, T replaced by G.
Molecular consequence: intron variant.
Genome position (GRCh38, 1-based): chr2:110,170,005, A>C on the plus strand (T>G on the coding strand, the complement: NPHP1 is on the minus strand). VCF-style: chr2-110170005-A-C. GRCh37 (hg19) VCF-style: chr2-110927582-A-C.
Other names: c.144-7T>G (NM_001128179.3); c.330-7T>G (NM_001374256.1, NM_001374257.1, NM_207181.4 and 1 more transcripts).
Identifiers: ClinVar variation 4986313 (VCV004986313.1).

ClinVar aggregate classification (germline): Uncertain significance (1 of 4 stars; one submission).

Conditions:
NPHP1-related disorder. Also called: NPHP1-related condition; NPHP1-related disorders.

gnomAD v4.1: 3 of 1,613,138 alleles (0.00019%); highest among the groups gnomAD compares: Admixed American, 0.0017%; no homozygotes.

Submission:

PreventionGenetics, part of Exact Sciences
Classification: Uncertain significance for NPHP1-related condition. Last evaluated: 2025-06-04. Review status: criteria provided, single submitter. Criteria: ACMG Guidelines, 2015. Collection method: clinical testing. Allele origin: germline.
Comment: The NPHP1 c.330-7T>G variant is predicted to interfere with splicing. This variant is predicted to alter splicing based on available splicing prediction programs (SpliceAI, Jaganathan et al. 2019. PubMed ID: 30661751; Alamut Visual Plus v1.6.1). However, the use of computer prediction programs is not equivalent to functional evidence. To our knowledge, this variant has not been reported in the literature or in a large population database (gnomAD), indicating this variant is rare. At this time, the clinical significance of this variant is uncertain due to the absence of conclusive functional and genetic evidence.